The following is an entry in ClinVar:

ClinVar aggregate classification (germline): Uncertain significance (1 of 4 stars; one submission).

Submission:

GeneDx
Classification: Uncertain significance. Last evaluated: 2025-06-17. Review status: criteria provided, single submitter. Criteria: GeneDx Variant Classification Process June 2021. Collection method: clinical testing. Allele origin: germline. Affected: yes.
Comment: Not observed at significant frequency in large population cohorts (gnomAD); Frameshift variant predicted to result in abnormal protein length as the last 40 amino acids are replaced with 1 different amino acid; Has not been previously published as pathogenic or benign to our knowledge

NM_002232.5(KCNA3):c.1607del (p.Gly536fs)

Gene: KCNA3 (potassium voltage-gated channel subfamily A member 3; minus strand). Cytogenetic location: 1p13.3.
Variant type: Deletion.
Coding change: c.1607del on transcript NM_002232.5 (MANE Select); coding-DNA position 1607, one base deleted (G; older notation c.1607delG).
Protein change: p.Gly536fs; shifts the reading frame from glycine 536.
Molecular consequence: frameshift variant.
Genome position (GRCh38, 1-based): chr1:110,673,203, C deleted on the plus strand (G on the coding strand, the reverse complement: KCNA3 is on the minus strand); the first of 6 consecutive C bases (chr1:110,673,203-110,673,208); deleting any one gives the same sequence. VCF-style (leftmost placement, unchanged base first): chr1-110673202-AC-A. GRCh37 (hg19) VCF-style: chr1-111215824-AC-A.
Other names: short protein forms G536fs.
Identifiers: ClinVar variation 4538914 (VCV004538914.1).